The following is an entry in ClinVar:

ClinVar aggregate classification (germline): Uncertain significance (1 of 4 stars; one submission).

Conditions:
Hereditary cancer-predisposing syndrome. Also called: Tumor predisposition; Hereditary Cancer Syndrome; Neoplastic Syndromes, Hereditary; Hereditary neoplastic syndrome. Identifiers: Orphanet 140162, MedGen C0027672, MeSH D009386, MONDO:0015356.

Allele frequency attached by ClinVar (database versions not stated): gnomAD exomes below 0.00001.
gnomAD v4.1: 3 of 1,612,368 alleles (0.00019%); highest among the groups gnomAD compares: Non-Finnish European, 0.00025%; no homozygotes.

Submission:

Ambry Genetics
Classification: Uncertain significance for Hereditary cancer-predisposing syndrome. Last evaluated: 2025-08-20. Review status: criteria provided, single submitter. Criteria: Ambry Variant Classification Scheme 2023. Collection method: clinical testing. Allele origin: germline.
Comment: The p.N110S variant (also known as c.329A>G), located in coding exon 4 of the MRE11A gene, results from an A to G substitution at nucleotide position 329. The asparagine at codon 110 is replaced by serine, an amino acid with highly similar properties. This amino acid position is highly conserved in available vertebrate species. In addition, the in silico prediction for this alteration is inconclusive. Since supporting evidence is limited at this time, the clinical significance of this alteration remains unclear.

NM_005591.4(MRE11):c.329A>G (p.Asn110Ser)

Gene: MRE11 (MRE11 double strand break repair nuclease; minus strand). Cytogenetic location: 11q21.
Variant type: single nucleotide variant.
Coding change: c.329A>G on transcript NM_005591.4 (MANE Select); coding-DNA position 329, A replaced by G.
Protein change: p.Asn110Ser; replaces asparagine 110 with serine.
Molecular consequence: missense variant.
Genome position (GRCh38, 1-based): chr11:94,479,747, T>C on the plus strand (A>G on the coding strand, the complement: MRE11 is on the minus strand). VCF-style: chr11-94479747-T-C. GRCh37 (hg19) VCF-style: chr11-94212913-T-C.
Other names: c.329A>G, p.Asn110Ser (NM_001330347.2, NM_005590.4); short protein forms N110S.
Identifiers: ClinVar variation 823491 (VCV000823491.6), dbSNP rs1591708731, ClinGen allele CA382378629.
Genomic context (GRCh38, chr11:94,479,747, plus strand): 5'-TCATGATTGCCATGAATACTAAACACTGGAATTGAAATGTTGAGGTTGCCATCTTGATAG[T>C]TCACCCATGGAAACCTTAAAAAAAAAAAGTTACTTAAAATTTCCATACGGGACAAAAGCT-3'
Protein context (NP_005582.1, residues 100-120): NFGFSKFPWV[Asn110Ser]YQDGNLNISI